The following is an entry in ClinVar:

NM_181426.2(CCDC39):c.1113dup (p.Glu372fs)

Gene: CCDC39 (coiled-coil domain 39 molecular ruler complex subunit; minus strand). Cytogenetic location: 3q26.33.
Variant type: Duplication.
Coding change: c.1113dup on transcript NM_181426.2 (MANE Select); coding-DNA position 1113, one base duplicated (A; older notation c.1113dupA).
Protein change: p.Glu372fs; shifts the reading frame from glutamic acid 372.
Molecular consequence: frameshift variant.
Genome position (GRCh38, 1-based): chr3:180,651,455, T duplicated on the plus strand (A on the coding strand, the reverse complement: CCDC39 is on the minus strand); the first of 2 consecutive T bases (chr3:180,651,455-180,651,456); duplicating either gives the same sequence. VCF-style (leftmost placement, unchanged base first): chr3-180651454-C-CT. GRCh37 (hg19) VCF-style: chr3-180369242-C-CT.
Other names: short protein forms E372fs.
Identifiers: ClinVar variation 2709558 (VCV002709558.3), dbSNP rs2473813365, ClinGen allele CA2697556987.

ClinVar aggregate classification (germline): Pathogenic (1 of 4 stars; one submission).

Conditions:
Primary ciliary dyskinesia. Also called: Ciliary dyskinesia. Identifiers: Orphanet 244, MedGen C0008780, MONDO:0016575, HP:0012265.

Submission:

Labcorp Genetics (formerly Invitae), Labcorp
Classification: Pathogenic for Primary ciliary dyskinesia. Last evaluated: 2024-01-24. Review status: criteria provided, single submitter. Criteria: Invitae Variant Classification Sherloc (09022015). Collection method: clinical testing. Allele origin: germline.
Comment: This sequence change creates a premature translational stop signal (p.Glu372Argfs*5) in the CCDC39 gene. It is expected to result in an absent or disrupted protein product. Loss-of-function variants in CCDC39 are known to be pathogenic (PMID: 21131972, 23255504). This variant is not present in population databases (gnomAD no frequency). This variant has not been reported in the literature in individuals affected with CCDC39-related conditions. Algorithms developed to predict the effect of sequence changes on RNA splicing suggest that this variant may disrupt the consensus splice site. For these reasons, this variant has been classified as Pathogenic.

Literature cited by the submitters: PubMed 21131972; PubMed 23255504.